The following is an entry in ClinVar:

ClinVar aggregate classification (germline): Likely benign. Review status: criteria provided, multiple submitters, no conflicts (2 of 4 stars). 4 submissions from 4 submitters: Likely benign (3). 1 of the submissions does not count toward it. Last evaluated 2025-11-28.

Conditions:
Inborn genetic diseases. Identifiers: MedGen C0950123, MeSH D030342.
LAMB1-related disorder. Also called: LAMB1-related condition.

Allele frequency attached by ClinVar (database versions not stated): gnomAD exomes 0.00014 and 0.00041; ExAC 0.00053; TOPMed 0.00134; gnomAD 0.00136 and 0.00141; ESP Exome Variant Server 0.00138; 1000 Genomes Project 0.00280; 1000 Genomes Project 30x 0.00312.

Submissions (4):

Labcorp Genetics (formerly Invitae), Labcorp
Classification: Likely benign. Last evaluated: 2025-11-28. Review status: criteria provided, single submitter. Criteria: Invitae Variant Classification Sherloc (09022015). Collection method: clinical testing. Allele origin: germline.

Ambry Genetics
Classification: Likely benign for Inborn genetic diseases. Last evaluated: 2021-11-19. Review status: criteria provided, single submitter. Criteria: Ambry Variant Classification Scheme 2023. Collection method: clinical testing. Allele origin: germline.

GeneDx
Classification: Likely benign. Last evaluated: 2019-03-29. Review status: criteria provided, single submitter. Criteria: GeneDx Variant Classification Process June 2021. Collection method: clinical testing. Allele origin: germline. Affected: yes.

PreventionGenetics, part of Exact Sciences
Classification: Likely benign for LAMB1-related condition. Last evaluated: 2019-12-23. Review status: no assertion criteria provided. Collection method: clinical testing. Allele origin: germline. Not counted in ClinVar's aggregate classification.
Comment: This variant is classified as likely benign based on ACMG/AMP sequence variant interpretation guidelines (Richards et al. 2015 PMID: 25741868, with internal and published modifications).

NM_002291.3(LAMB1):c.2557C>T (p.Arg853Trp)

Gene: LAMB1 (laminin subunit beta 1; minus strand). Cytogenetic location: 7q31.1.
Variant type: single nucleotide variant.
Coding change: c.2557C>T on transcript NM_002291.3 (MANE Select); coding-DNA position 2557, C replaced by T.
Protein change: p.Arg853Trp; replaces arginine 853 with tryptophan.
Molecular consequence: missense variant.
Genome position (GRCh38, 1-based): chr7:107,959,382, G>A on the plus strand (C>T on the coding strand, the complement: LAMB1 is on the minus strand). VCF-style: chr7-107959382-G-A. GRCh37 (hg19) VCF-style: chr7-107599827-G-A.
Other names: short protein forms R853W.
Identifiers: ClinVar variation 783504 (VCV000783504.14), dbSNP rs115746206, ClinGen allele CA4435591.